The following is an entry in ClinVar:

NM_025179.4(PLXNA2):c.3766G>A (p.Val1256Ile)

Gene: PLXNA2 (plexin A2; minus strand). Cytogenetic location: 1q32.2.
Variant type: single nucleotide variant.
Coding change: c.3766G>A on transcript NM_025179.4 (MANE Select); coding-DNA position 3766, G replaced by A.
Protein change: p.Val1256Ile; replaces valine 1256 with isoleucine.
Molecular consequence: missense variant.
Genome position (GRCh38, 1-based): chr1:208,044,616, C>T on the plus strand (G>A on the coding strand, the complement: PLXNA2 is on the minus strand). VCF-style: chr1-208044616-C-T. GRCh37 (hg19) VCF-style: chr1-208217961-C-T.
Other names: c.3766G>A (NM_025179.3); short protein forms V1256I.
Identifiers: ClinVar variation 2076859 (VCV002076859.9), dbSNP rs775088776, ClinGen allele CA1373074.

ClinVar aggregate classification (germline): Uncertain significance. Review status: criteria provided, multiple submitters, no conflicts (2 of 4 stars). 3 submissions from 3 submitters: Uncertain significance (3). Last evaluated 2025-09-15.

Conditions:
PLXNA2-related disorder. Also called: PLXNA2-related condition.

Allele frequency attached by ClinVar (database versions not stated): ExAC 0.00002; gnomAD 0.00003; TOPMed 0.00003; gnomAD exomes 0.00006.
gnomAD v4.1: 96 of 1,613,886 alleles (0.0059%); highest among the groups gnomAD compares: Middle Eastern, 0.066%; no homozygotes.

Submissions (3):

Labcorp Genetics (formerly Invitae), Labcorp
Classification: Uncertain significance. Last evaluated: 2025-09-15. Review status: criteria provided, single submitter. Criteria: Invitae Variant Classification Sherloc (09022015). Collection method: clinical testing. Allele origin: germline.
Comment: This sequence change replaces valine, which is neutral and non-polar, with isoleucine, which is neutral and non-polar, at codon 1256 of the PLXNA2 protein (p.Val1256Ile). This variant is present in population databases (rs775088776, gnomAD 0.009%). This variant has not been reported in the literature in individuals affected with PLXNA2-related conditions. ClinVar contains an entry for this variant (Variation ID: 2076859). Invitae Evidence Modeling of protein sequence and biophysical properties (such as structural, functional, and spatial information, amino acid conservation, physicochemical variation, residue mobility, and thermodynamic stability) indicates that this missense variant is not expected to disrupt PLXNA2 protein function with a negative predictive value of 80%. In summary, the available evidence is currently insufficient to determine the role of this variant in disease. Therefore, it has been classified as a Variant of Uncertain Significance.

Ambry Genetics
Classification: Uncertain significance. Last evaluated: 2025-04-15. Review status: criteria provided, single submitter. Criteria: Ambry Variant Classification Scheme 2023. Collection method: clinical testing. Allele origin: germline.

PreventionGenetics, part of Exact Sciences
Classification: Uncertain significance for PLXNA2-related condition. Last evaluated: 2025-04-15. Review status: criteria provided, single submitter. Criteria: ACMG Guidelines, 2015. Collection method: clinical testing. Allele origin: germline.
Comment: The PLXNA2 c.3766G>A variant is predicted to result in the amino acid substitution p.Val1256Ile. To our knowledge, this variant has not been reported in the literature. This variant is reported in 0.0093% of alleles in individuals of European (Non-Finnish) descent in gnomAD and is classified as uncertain in ClinVar. At this time, the clinical significance of this variant is uncertain due to the absence of conclusive functional and genetic evidence.